The following is an entry in ClinVar:

ClinVar aggregate classification (germline): Benign (1 of 4 stars; one submission).

Submission:

CeGaT Center for Human Genetics Tuebingen
Classification: Benign. Last evaluated: 2022-08-01. Review status: criteria provided, single submitter. Criteria: CeGaT Center For Human Genetics Tuebingen Variant Classification Criteria Version 2. Collection method: clinical testing. Allele origin: germline. Affected: yes. Observed: 2 variant alleles.
Comment: LRRK2: BS1, BS2

NM_198578.4(LRRK2):c.*131del

Gene: LRRK2 (leucine rich repeat kinase 2; plus strand). Cytogenetic location: 12q12.
Variant type: Deletion.
Coding change: c.*131del on transcript NM_198578.4 (MANE Select); 131 bases downstream of the stop codon, one base deleted (T; older notation c.*131delT).
Molecular consequence: 3 prime UTR variant.
Genome position (GRCh38, 1-based): chr12:40,367,896, T deleted; the last of 2 consecutive T bases (chr12:40,367,895-40,367,896); deleting either gives the same sequence. VCF-style (leftmost placement, unchanged base first): chr12-40367894-AT-A. GRCh37 (hg19) VCF-style: chr12-40761696-AT-A.
Identifiers: ClinVar variation 308652 (VCV000308652.35), dbSNP rs572544182, ClinGen allele CA10632695.
Genomic context (GRCh38, chr12:40,367,894, plus strand): 5'-TGTTCACATGGAAAGGGTACTCACATTTTTTGAAATAGCTCGTGTGTATGAAGGAATGTT[AT>A]TATTTTTAATTTAAATATATGTAAAAATACTTACCAGTAAATGTGTATTTTAAAGAACTA-3'